The following is an entry in ClinVar:

ClinVar aggregate classification (germline): Uncertain significance. Review status: criteria provided, multiple submitters, no conflicts (2 of 4 stars). 3 submissions from 3 submitters: Uncertain significance (3). Last evaluated 2026-02-17.

Conditions:
Inborn genetic diseases. Identifiers: MedGen C0950123, MeSH D030342.

Allele frequency attached by ClinVar (database versions not stated): TOPMed below 0.00001; gnomAD 0.00001; gnomAD exomes 0.00001 and 0.00002; ExAC 0.00003.
gnomAD v4.1: 23 of 1,602,746 alleles (0.0014%); highest among the groups gnomAD compares: East Asian, 0.0045%; no homozygotes.

Submissions (3):

Ambry Genetics
Classification: Uncertain significance for Inborn genetic diseases. Last evaluated: 2026-02-17. Review status: criteria provided, single submitter. Criteria: Ambry Variant Classification Scheme 2023. Collection method: clinical testing. Allele origin: germline.

Labcorp Genetics (formerly Invitae), Labcorp
Classification: Uncertain significance. Last evaluated: 2022-07-26. Review status: criteria provided, single submitter. Criteria: Invitae Variant Classification Sherloc (09022015). Collection method: clinical testing. Allele origin: germline.
Comment: This variant is present in population databases (rs756442751, gnomAD 0.006%). This sequence change replaces glutamic acid, which is acidic and polar, with lysine, which is basic and polar, at codon 541 of the GRM6 protein (p.Glu541Lys). This variant has not been reported in the literature in individuals affected with GRM6-related conditions. In summary, the available evidence is currently insufficient to determine the role of this variant in disease. Therefore, it has been classified as a Variant of Uncertain Significance. Algorithms developed to predict the effect of missense changes on protein structure and function (SIFT, PolyPhen-2, Align-GVGD) all suggest that this variant is likely to be tolerated. ClinVar contains an entry for this variant (Variation ID: 955582).

Blueprint Genetics
Classification: Uncertain significance. Last evaluated: 2022-07-06. Review status: criteria provided, single submitter. Criteria: ACMG Guidelines, 2015. Collection method: clinical testing. Allele origin: germline.

NM_000843.4(GRM6):c.1621G>A (p.Glu541Lys)

Genes: ZNF454 (zinc finger protein 454; plus strand), GRM6 (glutamate metabotropic receptor 6; minus strand). Cytogenetic location: 5q35.3.
Variant type: single nucleotide variant.
Coding change: c.1621G>A on transcript NM_000843.4 (MANE Select); coding-DNA position 1621, G replaced by A.
Protein change: p.Glu541Lys; replaces glutamic acid 541 with lysine.
Molecular consequence: missense variant.
Genome position (GRCh38, 1-based): chr5:178,986,633, C>T on the plus strand (G>A on the coding strand, the complement: GRM6 is on the minus strand). VCF-style: chr5-178986633-C-T. GRCh37 (hg19) VCF-style: chr5-178413634-C-T.
Other names: short protein forms E541K.
Identifiers: ClinVar variation 955582 (VCV000955582.11), dbSNP rs756442751, ClinGen allele CA3593977.